The following is an entry in ClinVar:

NM_001318525.2(TRAPPC2L):c.30G>C (p.Lys10Asn)

Gene: TRAPPC2L (trafficking protein particle complex subunit 2L; plus strand). Cytogenetic location: 16q24.3.
Variant type: single nucleotide variant.
Coding change: c.30G>C on transcript NM_001318525.2 (MANE Select); coding-DNA position 30, G replaced by C.
Protein change: p.Lys10Asn; replaces lysine 10 with asparagine.
Molecular consequence: missense variant. On other transcripts: 5 prime UTR variant (6), non-coding transcript variant (1).
Genome position (GRCh38, 1-based): chr16:88,857,180, G>C. VCF-style: chr16-88857180-G-C. GRCh37 (hg19) VCF-style: chr16-88923588-G-C.
Other names: c.30G>C, p.Lys10Asn (NM_001318524.2, NM_016209.5); c.-66G>C (NM_001318526.2); c.-380G>C (NM_001318527.2, NM_001318529.2, NM_001318532.2); c.-38G>C (NM_001318528.2, NM_001318530.2); short protein forms K10N.
Identifiers: ClinVar variation 3181989 (VCV003181989.3), dbSNP rs775304599, ClinGen allele CA8235471.

ClinVar aggregate classification (germline): Uncertain significance. Review status: criteria provided, multiple submitters, no conflicts (2 of 4 stars). 2 submissions from 2 submitters: Uncertain significance (2). Last evaluated 2026-08-06.

Conditions:
Encephalopathy, progressive, early-onset, with episodic rhabdomyolysis. Identifiers: MedGen C5193033, MONDO:0032681, OMIM 618331.

Allele frequency attached by ClinVar (database versions not stated): gnomAD 0.00005; TOPMed 0.00017.
gnomAD v4.1: 25 of 1,577,958 alleles (0.0016%); highest among the groups gnomAD compares: Admixed American, 0.024%; no homozygotes.

Submissions (2):

OLLIN Analises Genomicas, OLLIN
Classification: Uncertain significance for Encephalopathy, progressive, early-onset, with episodic rhabdomyolysis. Last evaluated: 2026-08-06. Review status: criteria provided, single submitter. Criteria: ACMG Guidelines 2015 PMID 25741868. Collection method: clinical testing. Allele origin: germline.
Comment: This missense variant, located in exon 1 (of 5), has been reported in ClinVar (accession VCV003181989.2) and in gnomAD with an allele frequency of 0.0016%. However, to our knowledge, it has not been reported in the scientific literature. In silico analysis is inconclusive regarding the impact of this variant. According to the currently available evidence, this variant has been classified as uncertain significance (PM2_P).

Ambry Genetics
Classification: Uncertain significance. Last evaluated: 2026-03-18. Review status: criteria provided, single submitter. Criteria: Ambry Variant Classification Scheme 2023. Collection method: clinical testing. Allele origin: germline.